The following is an entry in ClinVar:

ClinVar aggregate classification (germline): Uncertain significance (1 of 4 stars; one submission).

Conditions:
Autosomal dominant limb-girdle muscular dystrophy type 1G (LGMDD3). Also called: Limb-girdle muscular dystrophy, type 1G; MUSCULAR DYSTROPHY, LIMB-GIRDLE, AUTOSOMAL DOMINANT 3. Identifiers: Orphanet 55596, MedGen C1836765, MONDO:0012193, OMIM 609115.

Allele frequency attached by ClinVar (database versions not stated): TOPMed below 0.00001.
gnomAD v4.1: 1 of 1,614,154 alleles (0.000062%); highest among the groups gnomAD compares: Admixed American, 0.0017%; no homozygotes.

Submission:

Labcorp Genetics (formerly Invitae), Labcorp
Classification: Uncertain significance for Autosomal dominant limb-girdle muscular dystrophy type 1G. Last evaluated: 2024-02-26. Review status: criteria provided, single submitter. Criteria: Invitae Variant Classification Sherloc (09022015). Collection method: clinical testing. Allele origin: germline.
Comment: This sequence change replaces serine, which is neutral and polar, with cysteine, which is neutral and slightly polar, at codon 245 of the HNRNPDL protein (p.Ser245Cys). This variant is present in population databases (no rsID available, gnomAD 0.003%). This variant has not been reported in the literature in individuals affected with HNRNPDL-related conditions. ClinVar contains an entry for this variant (Variation ID: 1959189). An algorithm developed to predict the effect of missense changes on protein structure and function (PolyPhen-2) suggests that this variant is likely to be disruptive. In summary, the available evidence is currently insufficient to determine the role of this variant in disease. Therefore, it has been classified as a Variant of Uncertain Significance.

NM_031372.4(HNRNPDL):c.734C>G (p.Ser245Cys)

Gene: HNRNPDL (heterogeneous nuclear ribonucleoprotein D like; minus strand). Cytogenetic location: 4q21.22.
Variant type: single nucleotide variant.
Coding change: c.734C>G on transcript NM_031372.4 (MANE Select); coding-DNA position 734, C replaced by G.
Protein change: p.Ser245Cys; replaces serine 245 with cysteine.
Molecular consequence: missense variant. On other transcripts: non-coding transcript variant (1).
Genome position (GRCh38, 1-based): chr4:82,428,058, G>C on the plus strand (C>G on the coding strand, the complement: HNRNPDL is on the minus strand). VCF-style: chr4-82428058-G-C. GRCh37 (hg19) VCF-style: chr4-83349211-G-C.
Other names: c.734C>G, p.Ser245Cys (NM_001207000.1); short protein forms S245C.
Identifiers: ClinVar variation 1959189 (VCV001959189.5), dbSNP rs1461782720, ClinGen allele CA357170566.